The following is an entry in ClinVar:

ClinVar aggregate classification (germline): Uncertain significance (1 of 4 stars; one submission).

Conditions:
Werner syndrome (WRN). Identifiers: Orphanet 902, MedGen C0043119, MONDO:0010196, OMIM 277700.

Allele frequency attached by ClinVar (database versions not stated): gnomAD below 0.00001 and 0.00002; TOPMed 0.00002; 1000 Genomes Project 30x 0.00016; 1000 Genomes Project 0.00020.
gnomAD v4.1: 49 of 1,614,128 alleles (0.003%); highest among the groups gnomAD compares: South Asian, 0.051%; 1 homozygote.

Submission:

Labcorp Genetics (formerly Invitae), Labcorp
Classification: Uncertain significance for Werner syndrome. Last evaluated: 2024-06-10. Review status: criteria provided, single submitter. Criteria: Invitae Variant Classification Sherloc (09022015). Collection method: clinical testing. Allele origin: germline.
Comment: This sequence change replaces asparagine, which is neutral and polar, with aspartic acid, which is acidic and polar, at codon 1226 of the WRN protein (p.Asn1226Asp). This variant is present in population databases (rs566277794, gnomAD 0.07%). This variant has not been reported in the literature in individuals affected with WRN-related conditions. ClinVar contains an entry for this variant (Variation ID: 458464). An algorithm developed to predict the effect of missense changes on protein structure and function (PolyPhen-2) suggests that this variant is likely to be disruptive. In summary, the available evidence is currently insufficient to determine the role of this variant in disease. Therefore, it has been classified as a Variant of Uncertain Significance.

NM_000553.6(WRN):c.3676A>G (p.Asn1226Asp)

Gene: WRN (WRN RecQ like helicase; plus strand). Cytogenetic location: 8p12.
Variant type: single nucleotide variant.
Coding change: c.3676A>G on transcript NM_000553.6 (MANE Select); coding-DNA position 3676, A replaced by G.
Protein change: p.Asn1226Asp; replaces asparagine 1226 with aspartic acid.
Molecular consequence: missense variant.
Genome position (GRCh38, 1-based): chr8:31,150,444, A>G. VCF-style: chr8-31150444-A-G. GRCh37 (hg19) VCF-style: chr8-31007960-A-G.
Other names: short protein forms N1226D.
Identifiers: ClinVar variation 458464 (VCV000458464.4), dbSNP rs566277794, ClinGen allele CA4705143.